The following is an entry in ClinVar:

ClinVar aggregate classification (germline): Likely pathogenic (1 of 4 stars; one submission).

gnomAD v4.1: 1 of 1,611,830 alleles (0.000062%); highest among the groups gnomAD compares: Non-Finnish European, 0.000085%; no homozygotes.

Submission:

Labcorp Genetics (formerly Invitae), Labcorp
Classification: Likely pathogenic. Last evaluated: 2025-10-09. Review status: criteria provided, single submitter. Criteria: Invitae Variant Classification Sherloc (09022015). Collection method: clinical testing. Allele origin: germline.
Comment: This sequence change affects a donor splice site in intron 2 of the NBAS gene. It is expected to disrupt RNA splicing. Variants that disrupt the donor or acceptor splice site typically lead to a loss of protein function (PMID: 16199547), and loss-of-function variants in NBAS are known to be pathogenic (PMID: 26073778, 26541327, 27789416, 28031453). This variant is not present in population databases (gnomAD no frequency). This variant has not been reported in the literature in individuals affected with NBAS-related conditions. ClinVar contains an entry for this variant (Variation ID: 2878463). Algorithms developed to predict the effect of sequence changes on RNA splicing suggest that this variant may disrupt the consensus splice site. In summary, the currently available evidence indicates that the variant is pathogenic, but additional data are needed to prove that conclusively. Therefore, this variant has been classified as Likely Pathogenic.

Literature cited by the submitters: PubMed 16199547; PubMed 26073778; PubMed 26541327; PubMed 27789416; PubMed 28031453.

NM_015909.4(NBAS):c.172+1G>A

Gene: NBAS (NBAS subunit of NRZ tethering complex; minus strand). Cytogenetic location: 2p24.3.
Variant type: single nucleotide variant.
Coding change: c.172+1G>A on transcript NM_015909.4 (MANE Select); the canonical splice donor site of the intron after coding-DNA position 172, G replaced by A.
Molecular consequence: splice donor variant.
Genome position (GRCh38, 1-based): chr2:15,558,579, C>T on the plus strand (G>A on the coding strand, the complement: NBAS is on the minus strand). VCF-style: chr2-15558579-C-T. GRCh37 (hg19) VCF-style: chr2-15698703-C-T.
Identifiers: ClinVar variation 2878463 (VCV002878463.3), dbSNP rs968957955, ClinGen allele CA42662302.